The following is an entry in ClinVar:

ClinVar aggregate classification (germline): Uncertain significance. Review status: criteria provided, multiple submitters, no conflicts (2 of 4 stars). 2 submissions from 2 submitters: Uncertain significance (2). Last evaluated 2022-02-09.

Conditions:
Hereditary antithrombin deficiency (AT3D). Also called: Reduced antithrombin III activity; Antithrombin III deficiency; Thrombophilia due to antithrombin III deficiency; Antithrombin deficiency. Identifiers: Orphanet 82, MedGen C0272375, MONDO:0013144, OMIM 613118, HP:0001976.

Allele frequency attached by ClinVar (database versions not stated): gnomAD exomes 0.00001 and 0.00008; gnomAD 0.00004; TOPMed 0.00005.
gnomAD v4.1: 121 of 1,613,790 alleles (0.0075%); highest among the groups gnomAD compares: Non-Finnish European, 0.0094%; no homozygotes.

Submissions (2):

Fulgent Genetics
Classification: Uncertain significance for Hereditary antithrombin deficiency. Last evaluated: 2022-02-09. Review status: criteria provided, single submitter. Criteria: ACMG Guidelines, 2015. Collection method: clinical testing. Allele origin: unknown.

Illumina Laboratory Services, Illumina
Classification: Uncertain significance for Hereditary antithrombin deficiency. Last evaluated: 2017-04-27. Review status: criteria provided, single submitter. Criteria: ICSL Variant Classification Criteria 13 December 2019. Collection method: clinical testing. Allele origin: germline.
Comment: This variant was observed as part of a predisposition screen in an ostensibly healthy population. A literature search was performed for the gene, cDNA change, and amino acid change (where applicable). Publications were found based on this search. However, the evidence from the literature, in combination with allele frequency data from public databases where available, was not sufficient to rule this variant in or out of causing disease. Therefore, this variant is classified as a variant of unknown significance.

Literature cited by the submitters: PubMed 24121110 (cited by Illumina Laboratory Services, Illumina).

NM_000488.4(SERPINC1):c.1172G>A (p.Arg391Gln)

Gene: SERPINC1 (serpin family C member 1; minus strand). Cytogenetic location: 1q25.1.
Variant type: single nucleotide variant.
Coding change: c.1172G>A on transcript NM_000488.4 (MANE Select); coding-DNA position 1172, G replaced by A.
Protein change: p.Arg391Gln; replaces arginine 391 with glutamine.
Molecular consequence: missense variant.
Genome position (GRCh38, 1-based): chr1:173,907,496, C>T on the plus strand (G>A on the coding strand, the complement: SERPINC1 is on the minus strand). VCF-style: chr1-173907496-C-T. GRCh37 (hg19) VCF-style: chr1-173876634-C-T.
Other names: c.1028G>A, p.Arg343Gln (NM_001365052.2); c.1295G>A, p.Arg432Gln (NM_001386302.1); c.1253G>A, p.Arg418Gln (NM_001386303.1); c.1151G>A, p.Arg384Gln (NM_001386304.1); c.1115G>A, p.Arg372Gln (NM_001386305.1); c.956G>A, p.Arg319Gln (NM_001386306.1); short protein forms R343Q, R391Q, R319Q, R372Q, R384Q, R418Q, R432Q.
Identifiers: ClinVar variation 874663 (VCV000874663.5), dbSNP rs201541724, ClinGen allele CA32779432.